The following is an entry in ClinVar:

ClinVar aggregate classification (germline): Uncertain significance. Review status: criteria provided, multiple submitters, no conflicts (2 of 4 stars). 2 submissions from 2 submitters: Uncertain significance (2). Last evaluated 2024-07-18.

Conditions:
Hereditary cancer-predisposing syndrome. Also called: Hereditary neoplastic syndrome; Neoplastic Syndromes, Hereditary; Hereditary Cancer Syndrome; Tumor predisposition. Identifiers: Orphanet 140162, MedGen C0027672, MeSH D009386, MONDO:0015356.
Hereditary nonpolyposis colorectal neoplasms. Identifiers: MedGen C0009405, MeSH D003123.

Submissions (2):

Labcorp Genetics (formerly Invitae), Labcorp
Classification: Uncertain significance for Hereditary nonpolyposis colorectal neoplasms. Last evaluated: 2024-07-18. Review status: criteria provided, single submitter. Criteria: Invitae Variant Classification Sherloc (09022015). Collection method: clinical testing. Allele origin: germline.
Comment: This sequence change replaces glycine, which is neutral and non-polar, with valine, which is neutral and non-polar, at codon 356 of the MSH6 protein (p.Gly356Val). This variant is not present in population databases (gnomAD no frequency). This missense change has been observed in individual(s) with breast cancer, biliary tract cancer (PMID: 35449176, 36243179). ClinVar contains an entry for this variant (Variation ID: 1720788). Advanced modeling of protein sequence and biophysical properties (such as structural, functional, and spatial information, amino acid conservation, physicochemical variation, residue mobility, and thermodynamic stability) performed at Invitae indicates that this missense variant is not expected to disrupt MSH6 protein function with a negative predictive value of 95%. In summary, the available evidence is currently insufficient to determine the role of this variant in disease. Therefore, it has been classified as a Variant of Uncertain Significance.

Ambry Genetics
Classification: Uncertain significance for Hereditary cancer-predisposing syndrome. Last evaluated: 2022-12-30. Review status: criteria provided, single submitter. Criteria: Ambry Variant Classification Scheme 2023. Collection method: clinical testing. Allele origin: germline.
Comment: The p.G356V variant (also known as c.1067G>T), located in coding exon 4 of the MSH6 gene, results from a G to T substitution at nucleotide position 1067. The glycine at codon 356 is replaced by valine, an amino acid with dissimilar properties. This amino acid position is not well conserved in available vertebrate species. In addition, the in silico prediction for this alteration is inconclusive. Since supporting evidence is limited at this time, the clinical significance of this alteration remains unclear.

Literature cited by the submitters: PubMed 35449176 (cited by Labcorp Genetics (formerly Invitae), Labcorp); PubMed 36243179 (cited by Labcorp Genetics (formerly Invitae), Labcorp).

NM_000179.3(MSH6):c.1067G>T (p.Gly356Val)

Gene: MSH6 (mutS homolog 6; plus strand). Cytogenetic location: 2p16.3.
Variant type: single nucleotide variant.
Coding change: c.1067G>T on transcript NM_000179.3 (MANE Select); coding-DNA position 1067, G replaced by T.
Protein change: p.Gly356Val; replaces glycine 356 with valine.
Molecular consequence: missense variant.
Genome position (GRCh38, 1-based): chr2:47,799,050, G>T. VCF-style: chr2-47799050-G-T. GRCh37 (hg19) VCF-style: chr2-48026189-G-T.
Other names: c.677G>T, p.Gly226Val (NM_001281492.2); c.161G>T, p.Gly54Val (NM_001281493.2, NM_001281494.2, NM_001406811.1 and 6 more transcripts); c.1163G>T, p.Gly388Val (NM_001406795.1, NM_001406802.1); c.1067G>T, p.Gly356Val (NM_001406796.1, NM_001406798.1, NM_001406800.1 and 4 more transcripts); c.770G>T, p.Gly257Val (NM_001406797.1, NM_001406801.1, NM_001406805.1 and 10 more transcripts); c.542G>T, p.Gly181Val (NM_001406799.1, NM_001406806.1, NM_001406807.1); c.989G>T, p.Gly330Val (NM_001406804.1); c.1073G>T, p.Gly358Val (NM_001406813.1); and 1 more; short protein forms G181V, G226V, G257V, G300V, G330V, G356V, G358V, G388V.
Identifiers: ClinVar variation 1720788 (VCV001720788.8), dbSNP rs776170146, ClinGen allele CA346741666.